The following is an entry in ClinVar:

NM_020738.4(KIDINS220):c.1528G>A (p.Gly510Arg)

Gene: KIDINS220 (kinase D interacting substrate 220; minus strand). Cytogenetic location: 2p25.1.
Variant type: single nucleotide variant.
Coding change: c.1528G>A on transcript NM_020738.4 (MANE Select); coding-DNA position 1528, G replaced by A.
Protein change: p.Gly510Arg; replaces glycine 510 with arginine.
Molecular consequence: missense variant. On other transcripts: non-coding transcript variant (2).
Genome position (GRCh38, 1-based): chr2:8,789,973, C>T on the plus strand (G>A on the coding strand, the complement: KIDINS220 is on the minus strand). VCF-style: chr2-8789973-C-T. GRCh37 (hg19) VCF-style: chr2-8930103-C-T.
Other names: c.1531G>A, p.Gly511Arg (NM_001348729.2, NM_001348731.2, NM_001348734.2 and 3 more transcripts); c.1528G>A, p.Gly510Arg (NM_001348732.2, NM_001348735.2, NM_001348738.2 and 3 more transcripts); c.1402G>A, p.Gly468Arg (NM_001348736.2); short protein forms G511R, G468R, G510R.
Identifiers: ClinVar variation 2743964 (VCV002743964.3), dbSNP rs2528036839, ClinGen allele CA345767910.

ClinVar aggregate classification (germline): Uncertain significance (1 of 4 stars; one submission).

Submission:

Labcorp Genetics (formerly Invitae), Labcorp
Classification: Uncertain significance. Last evaluated: 2023-07-16. Review status: criteria provided, single submitter. Criteria: Invitae Variant Classification Sherloc (09022015). Collection method: clinical testing. Allele origin: germline.
Comment: In summary, the available evidence is currently insufficient to determine the role of this variant in disease. Therefore, it has been classified as a Variant of Uncertain Significance. An algorithm developed to predict the effect of missense changes on protein structure and function (PolyPhen-2) suggests that this variant is likely to be disruptive. This variant has not been reported in the literature in individuals affected with KIDINS220-related conditions. This variant is not present in population databases (gnomAD no frequency). This sequence change replaces glycine, which is neutral and non-polar, with arginine, which is basic and polar, at codon 510 of the KIDINS220 protein (p.Gly510Arg).